The following is an entry in ClinVar:

ClinVar aggregate classification (germline): Benign. Review status: criteria provided, single submitter (1 of 4 stars). 2 submissions from 2 submitters: Benign (1). 1 of the submissions does not count toward it. Last evaluated 2025-08-05.

Conditions:
CRB2-related disorder. Also called: CRB2-related disorders; CRB2-related condition.

Allele frequency attached by ClinVar (database versions not stated): gnomAD 0.00007 and 0.00015; TOPMed 0.00013; ESP Exome Variant Server 0.00015; gnomAD exomes 0.00024 and 0.00040; ExAC 0.00049; 1000 Genomes Project 0.00080; 1000 Genomes Project 30x 0.00094.

Submissions (2):

Labcorp Genetics (formerly Invitae), Labcorp
Classification: Benign. Last evaluated: 2025-08-05. Review status: criteria provided, single submitter. Criteria: Invitae Variant Classification Sherloc (09022015). Collection method: clinical testing. Allele origin: germline.

PreventionGenetics, part of Exact Sciences
Classification: Likely benign for CRB2-related condition. Last evaluated: 2021-06-29. Review status: no assertion criteria provided. Collection method: clinical testing. Allele origin: germline. Not counted in ClinVar's aggregate classification.
Comment: This variant is classified as likely benign based on ACMG/AMP sequence variant interpretation guidelines (Richards et al. 2015 PMID: 25741868, with internal and published modifications).

NM_173689.7(CRB2):c.765C>T (p.Gly255=)

Gene: CRB2 (crumbs cell polarity complex component 2; plus strand). Cytogenetic location: 9q33.3.
Variant type: single nucleotide variant.
Coding change: c.765C>T on transcript NM_173689.7 (MANE Select); coding-DNA position 765, C replaced by T.
Protein change: p.Gly255=; no amino-acid change (glycine 255 retained).
Molecular consequence: synonymous variant.
Genome position (GRCh38, 1-based): chr9:123,367,182, C>T. VCF-style: chr9-123367182-C-T. GRCh37 (hg19) VCF-style: chr9-126129461-C-T.
Other names: c.765C>T (NM_173689.6).
Identifiers: ClinVar variation 1544509 (VCV001544509.10), dbSNP rs138090939, ClinGen allele CA5231792.